The following is an entry in ClinVar:

ClinVar aggregate classification (germline): Pathogenic (1 of 4 stars; one submission).

Submission:

Labcorp Genetics (formerly Invitae), Labcorp
Classification: Pathogenic. Last evaluated: 2023-12-20. Review status: criteria provided, single submitter. Criteria: Invitae Variant Classification Sherloc (09022015). Collection method: clinical testing. Allele origin: germline.
Comment: This variant is a gross deletion of the genomic region encompassing exon(s) 2 of the LMX1B gene. This deletion is out-of-frame, and is expected to create a premature termination codon and result in an absent or disrupted protein product. Loss-of-function variants in LMX1B are known to be pathogenic (PMID: 9590287, 15498463). This variant has not been reported in the literature in individuals affected with LMX1B-related conditions. For these reasons, this variant has been classified as Pathogenic.

Literature cited by the submitters: PubMed 9590287; PubMed 15498463.

NC_000009.11:g.(?_129377642)_(129377868_?)del

Gene: LMX1B (LIM homeobox transcription factor 1 beta; plus strand). Cytogenetic location: 9q33.3.
Variant type: Deletion.
Identifiers: ClinVar variation 2424401 (VCV002424401.4).